The following is an entry in ClinVar:

NM_033026.6(PCLO):c.4802G>A (p.Gly1601Asp)

Gene: PCLO (piccolo presynaptic cytomatrix protein; minus strand). Cytogenetic location: 7q21.11.
Variant type: single nucleotide variant.
Coding change: c.4802G>A on transcript NM_033026.6 (MANE Select); coding-DNA position 4802, G replaced by A.
Protein change: p.Gly1601Asp; replaces glycine 1601 with aspartic acid.
Molecular consequence: missense variant.
Genome position (GRCh38, 1-based): chr7:82,956,151, C>T on the plus strand (G>A on the coding strand, the complement: PCLO is on the minus strand). VCF-style: chr7-82956151-C-T. GRCh37 (hg19) VCF-style: chr7-82585467-C-T.
Other names: c.4802G>A, p.Gly1601Asp (NM_014510.3); short protein forms G1601D.
Identifiers: ClinVar variation 1367841 (VCV001367841.8), dbSNP rs1216674454, ClinGen allele CA367925934.

ClinVar aggregate classification (germline): Uncertain significance (1 of 4 stars; one submission).

Allele frequency attached by ClinVar (database versions not stated): gnomAD 0.00001.

Submission:

Labcorp Genetics (formerly Invitae), Labcorp
Classification: Uncertain significance. Last evaluated: 2022-06-08. Review status: criteria provided, single submitter. Criteria: Invitae Variant Classification Sherloc (09022015). Collection method: clinical testing. Allele origin: germline.
Comment: In summary, the available evidence is currently insufficient to determine the role of this variant in disease. Therefore, it has been classified as a Variant of Uncertain Significance. Algorithms developed to predict the effect of missense changes on protein structure and function are either unavailable or do not agree on the potential impact of this missense change (SIFT: "Deleterious"; PolyPhen-2: "Not Available"; Align-GVGD: "Class C0"). This variant has not been reported in the literature in individuals affected with PCLO-related conditions. This variant is present in population databases (no rsID available, gnomAD 0.01%). This sequence change replaces glycine, which is neutral and non-polar, with aspartic acid, which is acidic and polar, at codon 1601 of the PCLO protein (p.Gly1601Asp).